The following is an entry in ClinVar:

NM_015599.3(PGM3):c.1370C>T (p.Ala457Val)

Genes: DOP1A (DOP1 leucine zipper like protein A; plus strand), PGM3 (phosphoglucomutase 3; minus strand). Cytogenetic location: 6q14.1.
Variant type: single nucleotide variant.
Coding change: c.1370C>T on transcript NM_015599.3 (MANE Select); coding-DNA position 1370, C replaced by T.
Protein change: p.Ala457Val; replaces alanine 457 with valine.
Molecular consequence: missense variant. On other transcripts: non-coding transcript variant (2).
Genome position (GRCh38, 1-based): chr6:83,170,474, G>A on the plus strand (C>T on the coding strand, the complement: PGM3 is on the minus strand). VCF-style: chr6-83170474-G-A. GRCh37 (hg19) VCF-style: chr6-83880193-G-A.
Other names: c.1454C>T, p.Ala485Val (NM_001199917.2, NM_001367287.1); c.1127C>T, p.Ala376Val (NM_001199918.2); c.1370C>T, p.Ala457Val (NM_001199919.2); c.1247C>T, p.Ala416Val (NM_001367286.1); short protein forms A457V, A376V, A485V, A416V.
Identifiers: ClinVar variation 1498667 (VCV001498667.8), dbSNP rs2128479369, ClinGen allele CA364878740.

ClinVar aggregate classification (germline): Uncertain significance (1 of 4 stars; one submission).

Conditions:
Immunodeficiency 23 (IMD23). Also called: IMMUNODEFICIENCY WITH HYPER IgE AND COGNITIVE IMPAIRMENT; IMMUNODEFICIENCY-VASCULITIS-MYOCLONUS SYNDROME. Identifiers: Orphanet 443811, MedGen C4014371, MONDO:0014353, OMIM 615816.

Submission:

Labcorp Genetics (formerly Invitae), Labcorp
Classification: Uncertain significance for Immunodeficiency 23. Last evaluated: 2021-04-17. Review status: criteria provided, single submitter. Criteria: Invitae Variant Classification Sherloc (09022015). Collection method: clinical testing. Allele origin: germline.
Comment: In summary, the available evidence is currently insufficient to determine the role of this variant in disease. Therefore, it has been classified as a Variant of Uncertain Significance. Algorithms developed to predict the effect of missense changes on protein structure and function are either unavailable or do not agree on the potential impact of this missense change (SIFT: "Tolerated"; PolyPhen-2: "Possibly Damaging"; Align-GVGD: "Class C0"). This variant has not been reported in the literature in individuals with PGM3-related conditions. This variant is not present in population databases (ExAC no frequency). This sequence change replaces alanine with valine at codon 485 of the PGM3 protein (p.Ala485Val). The alanine residue is moderately conserved and there is a small physicochemical difference between alanine and valine.